The following is an entry in ClinVar:

NM_020975.6(RET):c.1876C>A (p.Gln626Lys)

Gene: RET (ret proto-oncogene; plus strand). Cytogenetic location: 10q11.21.
Variant type: single nucleotide variant.
Coding change: c.1876C>A on transcript NM_020975.6 (MANE Select); coding-DNA position 1876, C replaced by A.
Protein change: p.Gln626Lys; replaces glutamine 626 with lysine.
Molecular consequence: missense variant.
Genome position (GRCh38, 1-based): chr10:43,113,672, C>A. VCF-style: chr10-43113672-C-A. GRCh37 (hg19) VCF-style: chr10-43609120-C-A.
Other names: c.1876C>A, p.Gln626Lys (NM_000323.2, NM_001406743.1, NM_001406744.1 and 6 more transcripts); c.1114C>A, p.Gln372Lys (NM_001355216.2); c.1747C>A, p.Gln583Lys (NM_001406761.1, NM_001406762.1, NM_001406764.1 and 1 more transcripts); c.1588C>A, p.Gln530Lys (NM_001406766.1, NM_001406767.1, NM_001406770.1); c.1480C>A, p.Gln494Lys (NM_001406769.1, NM_001406772.1); c.1438C>A, p.Gln480Lys (NM_001406771.1, NM_001406773.1); c.1351C>A, p.Gln451Lys (NM_001406774.1); c.1150C>A, p.Gln384Lys (NM_001406775.1, NM_001406776.1, NM_001406777.1 and 1 more transcripts); and 5 more; short protein forms Q626K, Q372K, Q231K, Q143K, Q296K, Q384K, Q494K, Q284K.
Identifiers: ClinVar variation 548925 (VCV000548925.14), dbSNP rs1255575160, ClinGen allele CA376552860.

ClinVar aggregate classification (germline): Uncertain significance. Review status: criteria provided, multiple submitters, no conflicts (2 of 4 stars). 5 submissions from 5 submitters: Uncertain significance (4). 1 of the submissions does not count toward it. Last evaluated 2025-11-26.

Conditions:
Hereditary cancer-predisposing syndrome. Also called: Hereditary Cancer Syndrome; Hereditary neoplastic syndrome; Tumor predisposition; Neoplastic Syndromes, Hereditary. Identifiers: Orphanet 140162, MedGen C0027672, MeSH D009386, MONDO:0015356.
Multiple endocrine neoplasia, type 2 (MEN2). Identifiers: Orphanet 653, MedGen C4048306, MONDO:0019003. Disease mechanism: gain of function.
Multiple endocrine neoplasia type 2A. Also called: MULTIPLE ENDOCRINE NEOPLASIA, TYPE IIA; PTC SYNDROME; SIPPLE SYNDROME; MEN 2A; MEN-2A syndrome; Pheochromocytoma and amyloid producing medullary thyroid carcinoma. Identifiers: Orphanet 247698, Orphanet 653, MedGen C0025268, MeSH D018813, MONDO:0008234, OMIM 171400.

Allele frequency attached by ClinVar (database versions not stated): gnomAD exomes below 0.00001.
gnomAD v4.1: 3 of 1,613,196 alleles (0.00019%); highest among the groups gnomAD compares: Non-Finnish European, 0.00025%; no homozygotes.

Submissions (5):

Labcorp Genetics (formerly Invitae), Labcorp
Classification: Uncertain significance for Multiple endocrine neoplasia, type 2. Last evaluated: 2025-11-26. Review status: criteria provided, single submitter. Criteria: Invitae Variant Classification Sherloc (09022015). Collection method: clinical testing. Allele origin: germline.
Comment: This sequence change replaces glutamine, which is neutral and polar, with lysine, which is basic and polar, at codon 626 of the RET protein (p.Gln626Lys). This variant is present in population databases (no rsID available, gnomAD 0.0009%). This missense change has been observed in individual(s) with Hirschsprung disease (PMID: 10090908). ClinVar contains an entry for this variant (Variation ID: 548925). An algorithm developed to predict the effect of missense changes on protein structure and function outputs the following: PolyPhen-2: "Benign". The lysine amino acid residue is found in multiple mammalian species, which suggests that this missense change does not adversely affect protein function. In summary, the available evidence is currently insufficient to determine the role of this variant in disease. Therefore, it has been classified as a Variant of Uncertain Significance.

Color Diagnostics, LLC DBA Color Health
Classification: Uncertain significance for Multiple endocrine neoplasia, type 2. Last evaluated: 2025-09-05. Review status: criteria provided, single submitter. Criteria: ACMG Guidelines, 2015. Collection method: clinical testing. Allele origin: germline.
Comment: This missense variant replaces glutamine with lysine at codon 626 of the RET protein. Computational prediction suggests that this variant may not impact protein structure and function. To our knowledge, functional studies have not been reported for this variant. This variant has been reported in an individual affected with Hirschsprung disease (PMID: 10090908). This variant has been identified in 1/248704 chromosomes in the general population by the Genome Aggregation Database (gnomAD). The available evidence is insufficient to determine the role of this variant in disease conclusively. Therefore, this variant is classified as a Variant of Uncertain Significance.

Ambry Genetics
Classification: Uncertain significance for Hereditary cancer-predisposing syndrome. Last evaluated: 2025-01-20. Review status: criteria provided, single submitter. Criteria: Ambry Variant Classification Scheme 2023. Collection method: clinical testing. Allele origin: germline.
Comment: The p.Q626K variant (also known as c.1876C>A), located in coding exon 10 of the RET gene, results from a C to A substitution at nucleotide position 1876. The glutamine at codon 626 is replaced by lysine, an amino acid with similar properties. This alteration has been detected in an individual diagnosed with sporadic Hirschsprung disease (Auricchio A et al. Am J Hum Genet 1999 Apr;64(4):1216-21). This amino acid position is not well conserved in available vertebrate species. In addition, the in silico prediction for this alteration is inconclusive. Based on the available evidence, the clinical significance of this variant remains unclear.

Mendelics
Classification: Uncertain significance for Multiple endocrine neoplasia, type 2a. Last evaluated: 2018-07-02. Review status: criteria provided, single submitter. Criteria: Mendelics Assertion Criteria 2017. Collection method: clinical testing. Allele origin: unknown.

Counsyl
Classification: Uncertain significance for Multiple endocrine neoplasia type 2A. Last evaluated: 2018-06-07. Review status: no assertion criteria provided. Collection method: clinical testing. Allele origin: unknown. Not counted in ClinVar's aggregate classification.

Literature cited by the submitters: PubMed 10090908 (cited by 3 submitters).